The following is an entry in ClinVar:

NM_201384.3(PLEC):c.1309G>A (p.Glu437Lys)

Gene: PLEC (plectin; minus strand). Cytogenetic location: 8q24.3.
Variant type: single nucleotide variant.
Coding change: c.1309G>A on transcript NM_201384.3 (MANE Select); coding-DNA position 1309, G replaced by A.
Protein change: p.Glu437Lys; replaces glutamic acid 437 with lysine.
Molecular consequence: missense variant.
Genome position (GRCh38, 1-based): chr8:143,933,306, C>T on the plus strand (G>A on the coding strand, the complement: PLEC is on the minus strand). VCF-style: chr8-143933306-C-T. GRCh37 (hg19) VCF-style: chr8-145007474-C-T.
Other names: c.1390G>A, p.Glu464Lys (NM_000445.5, NM_001410941.1); c.1267G>A, p.Glu423Lys (NM_201378.4); c.1243G>A, p.Glu415Lys (NM_201379.3); c.1720G>A, p.Glu574Lys (NM_201380.4); c.1213G>A, p.Glu405Lys (NM_201381.3); c.1309G>A, p.Glu437Lys (NM_201382.4); c.1321G>A, p.Glu441Lys (NM_201383.3); short protein forms E405K, E415K, E423K, E441K, E437K, E464K, E574K.
Identifiers: ClinVar variation 2932470 (VCV002932470.3), dbSNP rs2538897303, ClinGen allele CA372582488.

ClinVar aggregate classification (germline): Uncertain significance (1 of 4 stars; one submission).

Conditions:
Epidermolysis bullosa simplex with nail dystrophy (EBS5D). Identifiers: MedGen C4225309, MONDO:0014661, OMIM 616487.
Epidermolysis bullosa simplex 5C, with pyloric atresia (EBS5C). Also called: PLEC-Related Epidermolysis Bullosa with Pyloric Atresia; Epidermolysis bullosa simplex with pyloric atresia; PLEC1-Related Epidermolysis Bullosa with Pyloric Atresia. Identifiers: Orphanet 158684, MedGen C2677349, MONDO:0012807, OMIM 612138.
Autosomal recessive limb-girdle muscular dystrophy type 2Q (LGMDR17). Also called: MUSCULAR DYSTROPHY, LIMB-GIRDLE, AUTOSOMAL RECESSIVE 17. Identifiers: Orphanet 254361, MedGen C3150989, MONDO:0013390, OMIM 613723.
Epidermolysis bullosa simplex, Ogna type (EBS5A). Also called: Pidermolysis bullosa simplex 5A, Ogna type; EPIDERMOLYSIS BULLOSA SIMPLEX 5A, OGNA TYPE. Identifiers: Orphanet 79401, MedGen C0432317, MONDO:0007555, OMIM 131950.
Epidermolysis bullosa simplex 5B, with muscular dystrophy (EBS5B). Also called: EPIDERMOLYSIS BULLOSA SIMPLEX AND LIMB-GIRDLE MUSCULAR DYSTROPHY; Epidermolysis bullosa simplex with muscular dystrophy. Identifiers: Orphanet 257, MedGen C2931072, MONDO:0009181, OMIM 226670.

Submission:

Labcorp Genetics (formerly Invitae), Labcorp
Classification: Uncertain significance for Autosomal recessive limb-girdle muscular dystrophy type 2Q; Epidermolysis bullosa simplex, Ogna type; Epidermolysis bullosa simplex with nail dystrophy; Epidermolysis bullosa simplex 5C, with pyloric atresia; Epidermolysis bullosa simplex 5B, with muscular dystrophy. Last evaluated: 2023-01-18. Review status: criteria provided, single submitter. Criteria: Invitae Variant Classification Sherloc (09022015). Collection method: clinical testing. Allele origin: germline.
Comment: This variant has not been reported in the literature in individuals affected with PLEC-related conditions. This sequence change replaces glutamic acid, which is acidic and polar, with lysine, which is basic and polar, at codon 464 of the PLEC protein (p.Glu464Lys). This variant is not present in population databases (gnomAD no frequency). Algorithms developed to predict the effect of missense changes on protein structure and function are either unavailable or do not agree on the potential impact of this missense change (SIFT: "Deleterious"; PolyPhen-2: "Not Available"; Align-GVGD: "Class C15"). In summary, the available evidence is currently insufficient to determine the role of this variant in disease. Therefore, it has been classified as a Variant of Uncertain Significance.